The following is an entry in ClinVar:

ClinVar aggregate classification (germline): Uncertain significance. Review status: criteria provided, single submitter (1 of 4 stars). 2 submissions from 2 submitters: Uncertain significance (1). 1 of the submissions does not count toward it. Last evaluated 2022-10-13.

Conditions:
Metaphyseal chondrodysplasia, McKusick type (CHH). Also called: Cartilage-hair hypoplasia; Cartilage-Hair Hypoplasia (CHH). Identifiers: Orphanet 175, MedGen C0220748, MONDO:0009595, OMIM 250250.
Anauxetic dysplasia. Identifiers: Orphanet 93347, MedGen C1846796, MONDO:0011773.

Allele frequency attached by ClinVar (database versions not stated): gnomAD 0.00003 and 0.00004; TOPMed 0.00004; gnomAD exomes 0.00008 and 0.00009; ExAC 0.00028.
gnomAD v4.1: 57 of 694,922 alleles (0.0082%); highest among the groups gnomAD compares: South Asian, 0.044%; no homozygotes.

Submissions (2):

Labcorp Genetics (formerly Invitae), Labcorp
Classification: Uncertain significance for Anauxetic dysplasia. Last evaluated: 2022-10-13. Review status: criteria provided, single submitter. Criteria: Invitae Variant Classification Sherloc (09022015). Collection method: clinical testing. Allele origin: germline.
Comment: This variant occurs in the RMRP gene, which encodes an RNA molecule that does not result in a protein product. This variant is present in population databases (rs746248517, gnomAD 0.05%). This variant has not been reported in the literature in individuals affected with RMRP-related conditions. ClinVar contains an entry for this variant (Variation ID: 853176). Experimental studies and prediction algorithms are not available or were not evaluated, and the functional significance of this variant is currently unknown. In summary, the available evidence is currently insufficient to determine the role of this variant in disease. Therefore, it has been classified as a Variant of Uncertain Significance.

Natera, Inc.
Classification: Uncertain significance for Cartilage-hair hypoplasia. Last evaluated: 2020-02-21. Review status: no assertion criteria provided. Collection method: clinical testing. Allele origin: germline. Not counted in ClinVar's aggregate classification.

NR_003051.4(RMRP):n.140C>T

Gene: RMRP (RNA component of mitochondrial RNA processing endoribonuclease; minus strand). Cytogenetic location: 9p13.3.
Variant type: single nucleotide variant.
Genome position: GRCh38 VCF-style: chr9-35657880-G-A. GRCh37 (hg19) VCF-style: chr9-35657877-G-A.
Identifiers: ClinVar variation 853176 (VCV000853176.5), dbSNP rs746248517, ClinGen allele CA5045838.